The following is an entry in ClinVar:

NM_000038.6(APC):c.5203G>C (p.Gly1735Arg)

Gene: APC (APC regulator of Wnt signaling pathway; plus strand). Cytogenetic location: 5q22.2.
Variant type: single nucleotide variant.
Coding change: c.5203G>C on transcript NM_000038.6 (MANE Select); coding-DNA position 5203, G replaced by C.
Protein change: p.Gly1735Arg; replaces glycine 1735 with arginine.
Molecular consequence: missense variant. On other transcripts: non-coding transcript variant (2).
Genome position (GRCh38, 1-based): chr5:112,840,797, G>C. VCF-style: chr5-112840797-G-C. GRCh37 (hg19) VCF-style: chr5-112176494-G-C.
Other names: c.5203G>C, p.Gly1735Arg (NM_001127510.3, NM_001354895.2, NM_001407450.1); c.5149G>C, p.Gly1717Arg (NM_001127511.3); c.5257G>C, p.Gly1753Arg (NM_001354896.2, NM_001407447.1, NM_001407448.1 and 1 more transcripts); c.5233G>C, p.Gly1745Arg (NM_001354897.2); c.5128G>C, p.Gly1710Arg (NM_001354898.2); c.5119G>C, p.Gly1707Arg (NM_001354899.2); c.5080G>C, p.Gly1694Arg (NM_001354900.2); c.5026G>C, p.Gly1676Arg (NM_001354901.2, NM_001407453.1); and 11 more; short protein forms G1575R, G1609R, G1717R, G1763R, G1652R, G1694R, G1725R, G1452R.
Identifiers: ClinVar variation 2773151 (VCV002773151.3), dbSNP rs1765877779, ClinGen allele CA16032704.

ClinVar aggregate classification (germline): Uncertain significance (1 of 4 stars; one submission).

Conditions:
Familial adenomatous polyposis 1 (FAP1). Also called: POLYPOSIS, ADENOMATOUS INTESTINAL; FAMILIAL ADENOMATOUS POLYPOSIS 1, ATTENUATED. Identifiers: MedGen C2713442, MONDO:0021056, OMIM 175100. Disease mechanism: loss of function.

Submission:

Labcorp Genetics (formerly Invitae), Labcorp
Classification: Uncertain significance for Familial adenomatous polyposis 1. Last evaluated: 2023-06-05. Review status: criteria provided, single submitter. Criteria: Invitae Variant Classification Sherloc (09022015). Collection method: clinical testing. Allele origin: germline.
Comment: This variant has not been reported in the literature in individuals affected with APC-related conditions. In summary, the available evidence is currently insufficient to determine the role of this variant in disease. Therefore, it has been classified as a Variant of Uncertain Significance. Advanced modeling of protein sequence and biophysical properties (such as structural, functional, and spatial information, amino acid conservation, physicochemical variation, residue mobility, and thermodynamic stability) performed at Invitae indicates that this missense variant is not expected to disrupt APC protein function. This variant is not present in population databases (gnomAD no frequency). This sequence change replaces glycine, which is neutral and non-polar, with arginine, which is basic and polar, at codon 1735 of the APC protein (p.Gly1735Arg).